The following is an entry in ClinVar:

ClinVar aggregate classification (germline): Uncertain significance (1 of 4 stars; one submission).

Conditions:
Neuronopathy, distal hereditary motor, autosomal recessive 5. Also called: NEUROPATHY, DISTAL HEREDITARY MOTOR, AUTOSOMAL RECESSIVE 5; Spinal muscular atrophy, distal, autosomal recessive, 5; Young adult-onset distal hereditary motor neuropathy. Identifiers: Orphanet 314485, Orphanet 443950, MedGen C4749918, MONDO:0013947, OMIM 614881.

Allele frequency attached by ClinVar (database versions not stated): ExAC 0.00001; ESP Exome Variant Server 0.00015.
gnomAD v4.1: 5 of 1,613,592 alleles (0.00031%); highest among the groups gnomAD compares: Middle Eastern, 0.033%; no homozygotes.

Submission:

Labcorp Genetics (formerly Invitae), Labcorp
Classification: Uncertain significance for Neuronopathy, distal hereditary motor, autosomal recessive 5. Last evaluated: 2022-07-11. Review status: criteria provided, single submitter. Criteria: Invitae Variant Classification Sherloc (09022015). Collection method: clinical testing. Allele origin: germline.
Comment: This sequence change replaces arginine, which is basic and polar, with tryptophan, which is neutral and slightly polar, at codon 24 of the DNAJB2 protein (p.Arg24Trp). In summary, the available evidence is currently insufficient to determine the role of this variant in disease. Therefore, it has been classified as a Variant of Uncertain Significance. Algorithms developed to predict the effect of missense changes on protein structure and function are either unavailable or do not agree on the potential impact of this missense change (SIFT: "Deleterious"; PolyPhen-2: "Probably Damaging"; Align-GVGD: "Class C0"). ClinVar contains an entry for this variant (Variation ID: 944211). This variant has not been reported in the literature in individuals affected with DNAJB2-related conditions. The frequency data for this variant in the population databases is considered unreliable, as metrics indicate poor data quality at this position in the gnomAD database.

NM_006736.6(DNAJB2):c.70C>T (p.Arg24Trp)

Gene: DNAJB2 (DnaJ heat shock protein family (Hsp40) member B2; plus strand). Cytogenetic location: 2q35.
Variant type: single nucleotide variant.
Coding change: c.70C>T on transcript NM_006736.6 (MANE Select); coding-DNA position 70, C replaced by T.
Protein change: p.Arg24Trp; replaces arginine 24 with tryptophan.
Molecular consequence: missense variant.
Genome position (GRCh38, 1-based): chr2:219,280,582, C>T. VCF-style: chr2-219280582-C-T. GRCh37 (hg19) VCF-style: chr2-220145304-C-T.
Other names: c.70C>T, p.Arg24Trp (NM_001039550.2); short protein forms R24W.
Identifiers: ClinVar variation 944211 (VCV000944211.8), dbSNP rs370819068, ClinGen allele CA2122824.